The following is an entry in ClinVar:

NM_001267550.2(TTN):c.106214C>G (p.Thr35405Ser)

Genes: TTN-AS1 (TTN antisense RNA 1; plus strand), TTN (titin; minus strand). Cytogenetic location: 2q31.2.
Variant type: single nucleotide variant.
Coding change: c.106214C>G on transcript NM_001267550.2 (MANE Select); coding-DNA position 106214, C replaced by G.
Protein change: p.Thr35405Ser; replaces threonine 35405 with serine.
Molecular consequence: missense variant.
Genome position (GRCh38, 1-based): chr2:178,530,401, G>C on the plus strand (C>G on the coding strand, the complement: TTN is on the minus strand). VCF-style: chr2-178530401-G-C. GRCh37 (hg19) VCF-style: chr2-179395128-G-C.
Other names: c.101291C>G, p.Thr33764Ser (NM_001256850.1); c.79019C>G, p.Thr26340Ser (NM_003319.4); c.98510C>G, p.Thr32837Ser (NM_133378.4); c.79394C>G, p.Thr26465Ser (NM_133432.3); c.79595C>G, p.Thr26532Ser (NM_133437.4); short protein forms T26340S, T26465S, T32837S, T26532S, T35405S, T33764S.
Identifiers: ClinVar variation 857179 (VCV000857179.8), dbSNP rs1688580203, ClinGen allele CA349406588.

ClinVar aggregate classification (germline): Uncertain significance (1 of 4 stars; one submission).

Conditions:
Dilated cardiomyopathy 1G (CMD1G). Identifiers: Orphanet 154, MedGen C1858763, MONDO:0011400, OMIM 604145.
Autosomal recessive limb-girdle muscular dystrophy type 2J (LGMDR10). Also called: Limb-girdle muscular dystrophy, type 2J; MUSCULAR DYSTROPHY, LIMB-GIRDLE, AUTOSOMAL RECESSIVE 10. Identifiers: Orphanet 140922, MedGen C1837342, MONDO:0012127, OMIM 608807.

Allele frequency attached by ClinVar (database versions not stated): gnomAD exomes below 0.00001.
gnomAD v4.1: 1 of 1,613,874 alleles (0.000062%); highest among the groups gnomAD compares: Non-Finnish European, 0.000085%; no homozygotes.

Submission:

Labcorp Genetics (formerly Invitae), Labcorp
Classification: Uncertain significance for Dilated cardiomyopathy 1G; Autosomal recessive limb-girdle muscular dystrophy type 2J. Last evaluated: 2019-01-26. Review status: criteria provided, single submitter. Criteria: Invitae Variant Classification Sherloc (09022015). Collection method: clinical testing. Allele origin: germline.
Comment: Algorithms developed to predict the effect of missense changes on protein structure and function are unavailable for the TTN gene. This variant is located in the M band of TTN (PMID: 25589632). Variants in this region may be relevant for neuromuscular disorders, but have not been definitively shown to cause cardiomyopathy (PMID: 23975875). In summary, the available evidence is currently insufficient to determine the role of this variant in disease. Therefore, it has been classified as a Variant of Uncertain Significance. This variant has not been reported in the literature in individuals with TTN-related conditions. This variant is not present in population databases (ExAC no frequency). This sequence change replaces threonine with serine at codon 35405 of the TTN protein (p.Thr35405Ser). There is a small physicochemical difference between threonine and serine.

Literature cited by the submitters: PubMed 25589632; PubMed 23975875.